The following is an entry in ClinVar:

NM_001368397.1(FRMPD4):c.3156C>T (p.Thr1052=)

Gene: FRMPD4 (FERM and PDZ domain containing 4; plus strand). Cytogenetic location: Xp22.2.
Variant type: single nucleotide variant.
Coding change: c.3156C>T on transcript NM_001368397.1 (MANE Select); coding-DNA position 3156, C replaced by T.
Protein change: p.Thr1052=; no amino-acid change (threonine 1052 retained).
Molecular consequence: synonymous variant.
Genome position (GRCh38, 1-based): chrX:12,717,982, C>T. VCF-style: chrX-12717982-C-T. GRCh37 (hg19) VCF-style: chrX-12736101-C-T.
Other names: c.3267C>T, p.Thr1089= (NM_001368395.3, NM_001368398.3); c.3162C>T, p.Thr1054= (NM_001368396.3); c.3147C>T, p.Thr1049= (NM_001368399.3); c.3036C>T, p.Thr1012= (NM_001368400.3); c.3132C>T, p.Thr1044= (NM_001368401.1, NM_001368402.3); c.3156C>T, p.Thr1052= (NM_014728.3).
Identifiers: ClinVar variation 4822890 (VCV004822890.4).

ClinVar aggregate classification (germline): Likely benign (1 of 4 stars; one submission).

gnomAD v4.1: 37 of 1,211,566 alleles (0.0031%); highest among the groups gnomAD compares: Non-Finnish European, 0.004%; no homozygotes.

Submission:

CeGaT Center for Human Genetics Tuebingen
Classification: Likely benign. Last evaluated: 2026-01-01. Review status: criteria provided, single submitter. Criteria: CeGaT Center For Human Genetics Tuebingen Variant Classification Criteria Version 2. Collection method: clinical testing. Allele origin: germline. Affected: yes. Observed: 1 variant allele.
Comment: FRMPD4: BP4, BS2